The following is an entry in ClinVar:

ClinVar aggregate classification (germline): Likely benign. Review status: criteria provided, multiple submitters, no conflicts (2 of 4 stars). 3 submissions from 3 submitters: Likely benign (3). Last evaluated 2026-03-01.

Submissions (3):

CeGaT Center for Human Genetics Tuebingen
Classification: Likely benign. Last evaluated: 2026-03-01. Review status: criteria provided, single submitter. Criteria: CeGaT Center For Human Genetics Tuebingen Variant Classification Criteria Version 2. Collection method: clinical testing. Allele origin: germline. Affected: yes. Observed: 1 variant allele.
Comment: LAMC3: BP4, BP7

Labcorp Genetics (formerly Invitae), Labcorp
Classification: Likely benign. Last evaluated: 2024-05-21. Review status: criteria provided, single submitter. Criteria: Invitae Variant Classification Sherloc (09022015). Collection method: clinical testing. Allele origin: germline.

Blueprint Genetics
Classification: Likely benign. Last evaluated: 2024-01-10. Review status: criteria provided, single submitter. Criteria: ACMG Guidelines, 2015. Collection method: clinical testing. Allele origin: germline.

NM_006059.4(LAMC3):c.393G>A (p.Thr131=)

Gene: LAMC3 (laminin subunit gamma 3; plus strand). Cytogenetic location: 9q34.12.
Variant type: single nucleotide variant.
Coding change: c.393G>A on transcript NM_006059.4 (MANE Select); coding-DNA position 393, G replaced by A.
Protein change: p.Thr131=; no amino-acid change (threonine 131 retained).
Molecular consequence: synonymous variant.
Genome position (GRCh38, 1-based): chr9:131,026,304, G>A. VCF-style: chr9-131026304-G-A. GRCh37 (hg19) VCF-style: chr9-133901691-G-A.
Identifiers: ClinVar variation 3622095 (VCV003622095.7).
Genomic context (GRCh38, chr9:131,026,304, plus strand): 5'-CTTCCCCTTCCATAAAATGGGCCCCGTTTTCCTGGCTGCAGGGAAGGCTTATGAGATCAC[G>A]TATGTGAGGCTGAAGTTCCACACCAGTCGCCCTGAGAGCTTTGCCATCTACAAGCGCAGC-3'
Protein context (NP_006050.3, residues 121-141): TLRLGKAYEI[Thr131=]YVRLKFHTSR